The following is an entry in ClinVar:

ClinVar aggregate classification (germline): Pathogenic/Likely pathogenic. Review status: criteria provided, multiple submitters, no conflicts (2 of 4 stars). 20 submissions from 19 submitters: Pathogenic (14); Likely pathogenic (3). 3 of the submissions do not count toward it. Last evaluated 2026-01-18.

Conditions:
Autosomal dominant BEST1-related disorders.
BEST1-related disorder. Also called: BEST1-related disorders; BEST1-related condition. Identifiers: MedGen CN239200.
Autosomal recessive bestrophinopathy. Also called: Autosomal Recessive Bestrophinopathy (ARB). Identifiers: Orphanet 139455, MedGen C3888198, MONDO:0012733, OMIM 611809.
Autosomal dominant vitreoretinochoroidopathy. Also called: VITREORETINOCHOROIDOPATHY WITH MICROCORNEA, GLAUCOMA, AND CATARACT; Autosomal Dominant Vitreoretinochoroidopathy (ADVIRC); VITREORETINOCHOROIDOPATHY, AUTOSOMAL DOMINANT, WITH NANOPHTHALMOS. Identifiers: Orphanet 263347, Orphanet 3086, MedGen C3888099, MONDO:0008662, OMIM 193220.
Vitelliform macular dystrophy 2. Also called: Best vitelliform macular dystrophy, multifocal; Best Macular Dystrophy; VITELLIFORM MACULAR DYSTROPHY, EARLY-ONSET; VITELLIFORM MACULAR DYSTROPHY, JUVENILE-ONSET; MACULAR DEGENERATION, POLYMORPHIC VITELLINE; Best Vitelliform Macular Dystrophy (BVMD). Identifiers: Orphanet 1243, MedGen C2745945, MONDO:0007931, OMIM 153700.
Vitelliform macular dystrophy 1 (VMD1). Identifiers: Orphanet 99000, MedGen C4551953, MONDO:0007933, OMIM 153840.
Retinal dystrophy. Also called: Inherited retinal dystrophy. Identifiers: Orphanet 71862, MedGen C0854723, MeSH D058499, MONDO:0019118, HP:0000556.
Retinal disorder. Also called: Retinal disorders; Retinopathy; Retinopathies; Retinal Diseases. Identifiers: MedGen C0035309, MONDO:0005283, HP:0000488.

Allele frequency attached by ClinVar (database versions not stated): TOPMed below 0.00001; ExAC 0.00001; gnomAD exomes below 0.00001 and 0.00001.
gnomAD v4.1: 9 of 1,601,072 alleles (0.00056%); highest among the groups gnomAD compares: Middle Eastern, 0.017%; no homozygotes.

Submissions 1 to 15 of 20:

Labcorp Genetics (formerly Invitae), Labcorp
Classification: Pathogenic. Last evaluated: 2026-01-18. Review status: criteria provided, single submitter. Criteria: Invitae Variant Classification Sherloc (09022015). Collection method: clinical testing. Allele origin: germline.
Comment: This sequence change replaces alanine, which is neutral and non-polar, with valine, which is neutral and non-polar, at codon 243 of the BEST1 protein (p.Ala243Val). The frequency data for this variant in the population databases is considered unreliable, as metrics indicate poor data quality at this position in the gnomAD database. This missense change has been observed in individuals with autosomal dominant macular dystrophy (PMID: 10854112, 28225368, 28559085). It has also been observed to segregate with disease in related individuals. ClinVar contains an entry for this variant (Variation ID: 2737). Invitae Evidence Modeling of protein sequence and biophysical properties (such as structural, functional, and spatial information, amino acid conservation, physicochemical variation, residue mobility, and thermodynamic stability) indicates that this missense variant is expected to disrupt BEST1 protein function with a positive predictive value of 95%. Experimental studies are conflicting or provide insufficient evidence to determine the effect of this variant on BEST1 function (PMID: 17065513, 24560797). For these reasons, this variant has been classified as Pathogenic.

Genetics Laboratory, Great Ormond Street Hospital NHS Foundation Trust, North Thames Genomic Laboratory Hub
Classification: Pathogenic for Retinal disorders. Last evaluated: 2025-10-17. Review status: criteria provided, single submitter. Criteria: ACGS Best Practice Guidelines for Variant Classification in Rare Disease 2024 v1.2. Collection method: clinical testing. Allele origin: germline. Affected: yes.
Comment: PS4_moderate, PM2_moderate, PP3_supporting, PS3_supporting, PP1_strong

Variantyx, Inc.
Classification: Likely pathogenic for Autosomal dominant BEST1-related disorders. Last evaluated: 2025-10-16. Review status: criteria provided, single submitter. Criteria: Variantyx Assertion Criteria 2022. Collection method: clinical testing. Allele origin: germline. Inheritance: Autosomal recessive inheritance. Affected: yes.
Comment: This is a nonsynonymous variant in the BEST1 gene (OMIM: 607854). Pathogenic variants in this gene have been associated with autosomal dominant BEST1-related disorders. This variant has been reported in multiple unrelated affected individuals (PMID: 10737974, 34327816, 28225368) (PS4_Moderate) and it has been observed to segregate with disease in at least 3 individuals from one family (PMID: 21436265) (PP1). An alternate amino acid change at this position (p.Ala243Thr) has been previously reported in similarly affected individuals, which suggests that this residue is biologically important (PMID: 10798642, 25082885) (PM5) and multiple computational algorithms predict a deleterious effect for this variant (REVEL score: 0.939) (PP3). This variant has a 0.0030% maximum allele frequency in non-founder control populations (PM2). Based on the current evidence, this variant is classified as likely pathogenic for autosomal dominant BEST1-related disorders.

Institute of Human Genetics Munich, TUM University Hospital
Classification: Pathogenic for Vitelliform macular dystrophy 2. Last evaluated: 2025-04-17. Review status: criteria provided, single submitter. Criteria: Classification criteria August 2017. Collection method: clinical testing. Allele origin: germline. Inheritance: Autosomal dominant inheritance. Affected: yes. Observed: 1 variant allele.

CeGaT Center for Human Genetics Tuebingen
Classification: Pathogenic. Last evaluated: 2025-04-01. Review status: criteria provided, single submitter. Criteria: CeGaT Center For Human Genetics Tuebingen Variant Classification Criteria Version 2. Collection method: clinical testing. Allele origin: germline. Affected: yes. Observed: 9 variant alleles.
Comment: BEST1: PP1:Strong, PS4, PM2, PM5, PS3:Supporting

Clinical Genetics Laboratory, University Hospital Schleswig-Holstein
Classification: Pathogenic for Vitelliform macular dystrophy 2. Last evaluated: 2025-03-10. Review status: criteria provided, single submitter. Criteria: ACMG Guidelines, 2015. Collection method: clinical testing. Allele origin: germline. Affected: yes. Observed: 1 heterozygote.
Comment: ACMG criteria applied: PM2, PS4, PP1_Strong, PP3, PM5, PP4

GeneDx
Classification: Pathogenic. Last evaluated: 2025-03-07. Review status: criteria provided, single submitter. Criteria: GeneDx Variant Classification Process June 2021. Collection method: clinical testing. Allele origin: germline. Affected: yes.
Comment: Published functional studies demonstrate a damaging effect, impairing chloride channel function (PMID: 25941382, 17065513); In silico analysis supports that this missense variant has a deleterious effect on protein structure/function; Not observed at significant frequency in large population cohorts (gnomAD); This variant is associated with the following publications: (PMID: 17065513, 28831140, 31589614, 24560797, 21436265, 10737974, 10854112, 22633354, 23213274, 28590961, 25941382, 30217765, 30237227, 29555955, 19357557, 28225368, 29288639, 28687848, 38219857, 36512348, 36460718, 35119454, 32531858, 32239196, 31570112, 28559085, 37734845, 34327816)

Blueprint Genetics
Classification: Pathogenic for BEST1-related disorders. Last evaluated: 2024-10-15. Review status: criteria provided, single submitter. Criteria: ACMG Guidelines, 2015. Collection method: clinical testing. Allele origin: germline. Affected: yes. Observed: 5 variant alleles.

Institute of Human Genetics, University of Leipzig Medical Center
Classification: Pathogenic for Vitelliform macular dystrophy 1. Last evaluated: 2023-11-29. Review status: criteria provided, single submitter. Criteria: ACMG Guidelines, 2015. Collection method: clinical testing. Allele origin: unknown. Inheritance: Autosomal dominant inheritance. Affected: yes.
Comment: Criteria applied: PS4,PM5_STR,PS3_MOD,PM1,PM2_SUP

Institute of Human Genetics, University of Leipzig Medical Center
Classification: Pathogenic for Autosomal dominant vitreoretinochoroidopathy. Last evaluated: 2023-08-21. Review status: criteria provided, single submitter. Criteria: ACMG Guidelines, 2015. Collection method: clinical testing. Allele origin: unknown. Inheritance: Autosomal dominant inheritance. Affected: yes.
Comment: Criteria applied: PM5_STR,PS3_MOD,PS4_MOD,PM1,PM2_SUP,PP3

Bioscientia Institut fuer Medizinische Diagnostik GmbH, Sonic Healthcare
Classification: Pathogenic for Vitelliform macular dystrophy 2; Autosomal dominant vitreoretinochoroidopathy; Autosomal recessive bestrophinopathy. Last evaluated: 2023-04-23. Review status: criteria provided, single submitter. Criteria: ACMG Guidelines, 2015. Collection method: clinical testing. Allele origin: germline. Affected: yes.

Institute of Human Genetics, Univ. Regensburg, Univ. Regensburg
Classification: Pathogenic for Retinal dystrophy. Last evaluated: 2023-01-01. Review status: criteria provided, single submitter. Criteria: ACMG Guidelines, 2015. Collection method: clinical testing. Allele origin: germline. Affected: yes.

MGZ Medical Genetics Center
Classification: Likely pathogenic for Vitelliform macular dystrophy 2. Last evaluated: 2022-03-03. Review status: criteria provided, single submitter. Criteria: ACMG Guidelines, 2015. Collection method: clinical testing. Allele origin: germline. Affected: yes. Observed: 4 variant alleles.
Comment: ACMG criteria applied: PS4_MOD, PP1_MOD, PM2_SUP, PP3

Institute of Medical Molecular Genetics, University of Zurich
Classification: Likely pathogenic for Vitelliform macular dystrophy 2. Last evaluated: 2021-01-30. Review status: criteria provided, single submitter. Criteria: ACMG Guidelines, 2015. Collection method: clinical testing. Allele origin: unknown. Affected: yes.

Institute of Medical Genetics and Applied Genomics, University Hospital Tübingen
Classification: Pathogenic. Last evaluated: 2020-10-23. Review status: criteria provided, single submitter. Criteria: ACMG Guidelines, 2015. Collection method: clinical testing. Allele origin: germline. Inheritance: Autosomal dominant inheritance. Affected: yes.

NM_004183.4(BEST1):c.728C>T (p.Ala243Val)

Gene: BEST1 (bestrophin 1; plus strand). Cytogenetic location: 11q12.3.
Variant type: single nucleotide variant.
Coding change: c.728C>T on transcript NM_004183.4 (MANE Select); coding-DNA position 728, C replaced by T.
Protein change: p.Ala243Val; replaces alanine 243 with valine.
Molecular consequence: missense variant. On other transcripts: non-coding transcript variant (1).
Genome position (GRCh38, 1-based): chr11:61,958,159, C>T. VCF-style: chr11-61958159-C-T. GRCh37 (hg19) VCF-style: chr11-61725631-C-T.
Other names: c.548C>T, p.Ala183Val (NM_001139443.3, NM_001300786.2, NM_001300787.2); c.410C>T, p.Ala137Val (NM_001363591.3); c.728C>T, p.Ala243Val (NM_001363592.2); c.-448C>T (NM_001363593.3); short protein forms A243V, A183V, A137V.
Identifiers: ClinVar variation 2737 (VCV000002737.70), dbSNP rs28940570, ClinGen allele CA227815.